The following is an entry in ClinVar:

NM_004082.5(DCTN1):c.629T>G (p.Leu210Arg)

Gene: DCTN1 (dynactin subunit 1; minus strand). Cytogenetic location: 2p13.1.
Variant type: single nucleotide variant.
Coding change: c.629T>G on transcript NM_004082.5 (MANE Select); coding-DNA position 629, T replaced by G.
Protein change: p.Leu210Arg; replaces leucine 210 with arginine.
Molecular consequence: missense variant. On other transcripts: non-coding transcript variant (1).
Genome position (GRCh38, 1-based): chr2:74,371,553, A>C on the plus strand (T>G on the coding strand, the complement: DCTN1 is on the minus strand). VCF-style: chr2-74371553-A-C. GRCh37 (hg19) VCF-style: chr2-74598680-A-C.
Other names: c.569T>G, p.Leu190Arg (NM_001135040.3); c.227T>G, p.Leu76Arg (NM_001135041.3, NM_023019.4); c.518T>G, p.Leu173Arg (NM_001190836.2); c.608T>G, p.Leu203Arg (NM_001190837.2); c.578T>G, p.Leu193Arg (NM_001378991.1); c.560T>G, p.Leu187Arg (NM_001378992.1); short protein forms L173R, L210R, L76R, L203R, L190R, L187R, L193R.
Identifiers: ClinVar variation 566375 (VCV000566375.9), dbSNP rs1558943273, ClinGen allele CA347366807.
Genomic context (GRCh38, chr2:74,371,553, plus strand): 5'-CTCTGGGTGTCTTGATTCTCCTTTACCCCTACCCCAGGCCTTACCTTGGATGGGGAAGGA[A>C]GCGGGGGGACTGCTCCAGGAGAGGTGAGGACCGGCGTGGGGATGATGGGTGCTGCCAGCG-3'
Protein context (NP_004073.2, residues 200-220): VLTSPGAVPP[Leu210Arg]PSPSKEEEGL

ClinVar aggregate classification (germline): Uncertain significance (1 of 4 stars; one submission).

Conditions:
Amyotrophic lateral sclerosis type 1 (ALS1). Also called: AMYOTROPHIC LATERAL SCLEROSIS 1, FAMILIAL. Identifiers: Orphanet 803, MedGen C1862939, MONDO:0007103, OMIM 105400.
Perry syndrome. Also called: PARKINSONISM WITH ALVEOLAR HYPOVENTILATION AND MENTAL DEPRESSION. Identifiers: Orphanet 178509, MedGen C1868594, MONDO:0008201, OMIM 168605.
Neuronopathy, distal hereditary motor, type 7B. Also called: HMN VIIB; NEURONOPATHY, DISTAL HEREDITARY MOTOR, AUTOSOMAL DOMINANT 14; NEURONOPATHY, DISTAL HEREDITARY MOTOR, HARDING TYPE VIIB; NEUROPATHY, DISTAL HEREDITARY MOTOR, HARDING TYPE VIIB; NEUROPATHY, DISTAL HEREDITARY MOTOR, WITH VOCAL CORD PARALYSIS, HARDING TYPE VIIB; LOWER MOTOR NEURON DISEASE, DYNACTIN TYPE. Identifiers: Orphanet 139589, MedGen C1843315, MONDO:0011879, OMIM 607641.

gnomAD v4.1: 1 of 1,577,680 alleles (0.000063%); highest among the groups gnomAD compares: Non-Finnish European, 0.000086%; no homozygotes.

Submission:

Labcorp Genetics (formerly Invitae), Labcorp
Classification: Uncertain significance for Amyotrophic lateral sclerosis type 1; Neuronopathy, distal hereditary motor, type 7B; Perry syndrome. Last evaluated: 2022-01-14. Review status: criteria provided, single submitter. Criteria: Invitae Variant Classification Sherloc (09022015). Collection method: clinical testing. Allele origin: germline.
Comment: This sequence change replaces leucine, which is neutral and non-polar, with arginine, which is basic and polar, at codon 210 of the DCTN1 protein (p.Leu210Arg). This variant is not present in population databases (gnomAD no frequency). This variant has not been reported in the literature in individuals affected with DCTN1-related conditions. ClinVar contains an entry for this variant (Variation ID: 566375). Algorithms developed to predict the effect of missense changes on protein structure and function are either unavailable or do not agree on the potential impact of this missense change (SIFT: "Deleterious"; PolyPhen-2: "Benign"; Align-GVGD: "Class C65"). In summary, the available evidence is currently insufficient to determine the role of this variant in disease. Therefore, it has been classified as a Variant of Uncertain Significance.